The following is an entry in ClinVar:

NM_030665.4(RAI1):c.4981C>T (p.Arg1661Trp)

Gene: RAI1 (retinoic acid induced 1; plus strand). Cytogenetic location: 17p11.2.
Variant type: single nucleotide variant.
Coding change: c.4981C>T on transcript NM_030665.4 (MANE Select); coding-DNA position 4981, C replaced by T.
Protein change: p.Arg1661Trp; replaces arginine 1661 with tryptophan.
Molecular consequence: missense variant.
Genome position (GRCh38, 1-based): chr17:17,797,929, C>T. VCF-style: chr17-17797929-C-T. GRCh37 (hg19) VCF-style: chr17-17701243-C-T.
Other names: short protein forms R1661W.
Identifiers: ClinVar variation 283371 (VCV000283371.16), dbSNP rs201517835, ClinGen allele CA8419079.

ClinVar aggregate classification (germline): Conflicting classifications of pathogenicity. Review status: criteria provided, conflicting classifications (1 of 4 stars). 3 submissions from 3 submitters: Uncertain significance (2); Likely benign (1). Last evaluated 2025-11-01.

Allele frequency attached by ClinVar (database versions not stated): gnomAD 0.00001 and 0.00002; gnomAD exomes 0.00001; TOPMed 0.00001; ExAC 0.00002; 1000 Genomes Project 30x 0.00016; 1000 Genomes Project 0.00020.
gnomAD v4.1: 17 of 1,614,034 alleles (0.0011%); highest among the groups gnomAD compares: Admixed American, 0.0067%; no homozygotes.

Submissions (3):

CeGaT Center for Human Genetics Tuebingen
Classification: Likely benign. Last evaluated: 2025-11-01. Review status: criteria provided, single submitter. Criteria: CeGaT Center For Human Genetics Tuebingen Variant Classification Criteria Version 2. Collection method: clinical testing. Allele origin: germline. Affected: yes. Observed: 1 variant allele.
Comment: RAI1: BP4

Labcorp Genetics (formerly Invitae), Labcorp
Classification: Uncertain significance. Last evaluated: 2022-04-07. Review status: criteria provided, single submitter. Criteria: Invitae Variant Classification Sherloc (09022015). Collection method: clinical testing. Allele origin: germline.
Comment: This sequence change replaces arginine, which is basic and polar, with tryptophan, which is neutral and slightly polar, at codon 1661 of the RAI1 protein (p.Arg1661Trp). In summary, the available evidence is currently insufficient to determine the role of this variant in disease. Therefore, it has been classified as a Variant of Uncertain Significance. Algorithms developed to predict the effect of missense changes on protein structure and function are either unavailable or do not agree on the potential impact of this missense change (SIFT: "Deleterious"; PolyPhen-2: "Probably Damaging"; Align-GVGD: "Class C15"). ClinVar contains an entry for this variant (Variation ID: 283371). This variant has not been reported in the literature in individuals affected with RAI1-related conditions. This variant is present in population databases (rs201517835, gnomAD 0.003%).

Eurofins Ntd Llc (ga)
Classification: Uncertain significance. Last evaluated: 2015-10-06. Review status: criteria provided, single submitter. Criteria: EGL Classification Definitions 2015. Collection method: clinical testing. Allele origin: germline. Observed: 1 variant allele, 1 heterozygote.